The following is an entry in ClinVar:

ClinVar aggregate classification (germline): Uncertain significance (1 of 4 stars; one submission).

Conditions:
Leigh syndrome (NULS). Also called: Leigh's necrotizing encephalopathy; Leigh's disease; Leigh Syndrome (mtDNA deletion); Leigh Disease; Subacute necrotizing encephalopathy; Necrotizing encephalopathy infantile subacute of Leigh. Identifiers: Orphanet 506, MedGen C2931891, MONDO:0009723, OMIM 256000.

Submission:

Wong Mito Lab, Molecular and Human Genetics, Baylor College of Medicine
Classification: Uncertain significance for Leigh syndrome. Last evaluated: 2019-10-17. Review status: criteria provided, single submitter. Criteria: Modified ACMG Guidelines (Unpublished). Collection method: clinical testing. Allele origin: germline.
Comment: The NC_012920.1:m.4165C>G (YP_003024026.1:p.His287Asp) variant in MTND1 gene is interpretated to be a Uncertain Significance variant based on the modified ACMG guidelines (unpublished). This variant meets the following evidence codes: PM10, PP6, PP7

NC_012920.1(MT-ND1):m.4165C>G

Gene: MT-ND1 (mitochondrially encoded NADH dehydrogenase 1; plus strand).
Variant type: single nucleotide variant.
Genome position: chrM-4165-C-G.
Identifiers: ClinVar variation 692430 (VCV000692430.1), dbSNP rs1603219331, ClinGen allele CA414774324.